The following is an entry in ClinVar:

NM_130384.3(ATRIP):c.890T>C (p.Phe297Ser)

Genes: ATRIP (ATR interacting protein; plus strand), ATRIP-TREX1 (ATRIP-TREX1 readthrough; plus strand). Cytogenetic location: 3p21.31.
Variant type: single nucleotide variant.
Coding change: c.890T>C on transcript NM_130384.3 (MANE Select); coding-DNA position 890, T replaced by C.
Protein change: p.Phe297Ser; replaces phenylalanine 297 with serine.
Molecular consequence: missense variant. On other transcripts: non-coding transcript variant (1).
Genome position (GRCh38, 1-based): chr3:48,459,419, T>C. VCF-style: chr3-48459419-T-C. GRCh37 (hg19) VCF-style: chr3-48500818-T-C.
Other names: c.509T>C, p.Phe170Ser (NM_001271022.2); c.611T>C, p.Phe204Ser (NM_001271023.2); c.890T>C, p.Phe297Ser (NM_032166.4); short protein forms F170S, F204S, F297S.
Identifiers: ClinVar variation 4644603 (VCV004644603.1).

ClinVar aggregate classification (germline): Uncertain significance (1 of 4 stars; one submission).

Submission:

Ambry Genetics
Classification: Uncertain significance. Last evaluated: 2025-12-07. Review status: criteria provided, single submitter. Criteria: Ambry Variant Classification Scheme 2023. Collection method: clinical testing. Allele origin: germline.
Comment: The p.F297S variant (also known as c.890T>C), located in coding exon 6 of the ATRIP gene, results from a T to C substitution at nucleotide position 890. The phenylalanine at codon 297 is replaced by serine, an amino acid with highly dissimilar properties. This amino acid position is conserved. In addition, this alteration is predicted to be tolerated by in silico analysis. Based on the available evidence, the clinical significance of this variant remains unclear.